The following is an entry in ClinVar:

ClinVar aggregate classification (germline): Uncertain significance (1 of 4 stars; one submission).

Allele frequency attached by ClinVar (database versions not stated): gnomAD exomes below 0.00001; TOPMed below 0.00001.
gnomAD v4.1: 2 of 1,612,000 alleles (0.00012%); highest among the groups gnomAD compares: Non-Finnish European, 0.000085%; no homozygotes.

Submission:

Labcorp Genetics (formerly Invitae), Labcorp
Classification: Uncertain significance. Last evaluated: 2021-07-17. Review status: criteria provided, single submitter. Criteria: Invitae Variant Classification Sherloc (09022015). Collection method: clinical testing. Allele origin: germline.
Comment: In summary, the available evidence is currently insufficient to determine the role of this variant in disease. Therefore, it has been classified as a Variant of Uncertain Significance. Advanced modeling of protein sequence and biophysical properties (such as structural, functional, and spatial information, amino acid conservation, physicochemical variation, residue mobility, and thermodynamic stability) performed at Invitae indicates that this missense variant is not expected to disrupt COL11A1 protein function. This variant has not been reported in the literature in individuals with COL11A1-related conditions. This variant is not present in population databases (ExAC no frequency). This sequence change replaces arginine with threonine at codon 642 of the COL11A1 protein (p.Arg642Thr). The arginine residue is highly conserved and there is a moderate physicochemical difference between arginine and threonine.

NM_001854.4(COL11A1):c.1925G>C (p.Arg642Thr)

Gene: COL11A1 (collagen type XI alpha 1 chain; minus strand). Cytogenetic location: 1p21.1.
Variant type: single nucleotide variant.
Coding change: c.1925G>C on transcript NM_001854.4 (MANE Select); coding-DNA position 1925, G replaced by C.
Protein change: p.Arg642Thr; replaces arginine 642 with threonine.
Molecular consequence: missense variant. On other transcripts: non-coding transcript variant (1).
Genome position (GRCh38, 1-based): chr1:103,004,463, C>G on the plus strand (G>C on the coding strand, the complement: COL11A1 is on the minus strand). VCF-style: chr1-103004463-C-G. GRCh37 (hg19) VCF-style: chr1-103470019-C-G.
Other names: c.1808G>C, p.Arg603Thr (NM_001190709.2); c.1961G>C, p.Arg654Thr (NM_080629.3); c.1577G>C, p.Arg526Thr (NM_080630.4); short protein forms R603T, R642T, R526T, R654T.
Identifiers: ClinVar variation 1498141 (VCV001498141.8), dbSNP rs1665409366, ClinGen allele CA341172634.